The following is an entry in ClinVar:

NM_001083961.2(WDR62):c.516C>T (p.Ser172=)

Gene: WDR62 (WD repeat domain 62; plus strand). Cytogenetic location: 19q13.12.
Variant type: single nucleotide variant.
Coding change: c.516C>T on transcript NM_001083961.2 (MANE Select); coding-DNA position 516, C replaced by T.
Protein change: p.Ser172=; no amino-acid change (serine 172 retained).
Molecular consequence: synonymous variant.
Genome position (GRCh38, 1-based): chr19:36,066,382, C>T. VCF-style: chr19-36066382-C-T. GRCh37 (hg19) VCF-style: chr19-36557284-C-T.
Other names: c.516C>T, p.Ser172= (NM_001411145.1, NM_001411146.1, NM_001411147.1 and 1 more transcripts).
Identifiers: ClinVar variation 2993228 (VCV002993228.22), dbSNP rs755562871, ClinGen allele CA9395310.

ClinVar aggregate classification (germline): Likely benign. Review status: criteria provided, multiple submitters, no conflicts (2 of 4 stars). 2 submissions from 2 submitters: Likely benign (2). Last evaluated 2024-05-01.

Allele frequency attached by ClinVar (database versions not stated): gnomAD exomes below 0.00001; TOPMed below 0.00001; ExAC 0.00001; gnomAD 0.00001.
gnomAD v4.1: 8 of 1,612,306 alleles (0.0005%); highest among the groups gnomAD compares: Admixed American, 0.0017%; no homozygotes.

Submissions (2):

CeGaT Center for Human Genetics Tuebingen
Classification: Likely benign. Last evaluated: 2024-05-01. Review status: criteria provided, single submitter. Criteria: CeGaT Center For Human Genetics Tuebingen Variant Classification Criteria Version 2. Collection method: clinical testing. Allele origin: germline. Affected: yes. Observed: 1 variant allele.
Comment: WDR62: BP4, BP7

Labcorp Genetics (formerly Invitae), Labcorp
Classification: Likely benign. Last evaluated: 2023-07-16. Review status: criteria provided, single submitter. Criteria: Invitae Variant Classification Sherloc (09022015). Collection method: clinical testing. Allele origin: germline.